The following is an entry in ClinVar:

NM_002047.4(GARS1):c.2217A>G (p.Glu739=)

Gene: GARS1 (glycyl-tRNA synthetase 1; plus strand). Cytogenetic location: 7p14.3.
Variant type: single nucleotide variant.
Coding change: c.2217A>G on transcript NM_002047.4 (MANE Select); coding-DNA position 2217, A replaced by G.
Protein change: p.Glu739=; no amino-acid change (glutamic acid 739 retained).
Molecular consequence: synonymous variant.
Genome position (GRCh38, 1-based): chr7:30,633,857, A>G. VCF-style: chr7-30633857-A-G. GRCh37 (hg19) VCF-style: chr7-30673473-A-G.
Other names: c.2055A>G, p.Glu685= (NM_001316772.1).
Identifiers: ClinVar variation 3029843 (VCV003029843.2), dbSNP rs1783284312, ClinGen allele CA454267913.

ClinVar aggregate classification (germline): Likely benign (0 of 4 stars; one submission).

Conditions:
GARS1-related disorder. Also called: GARS1-related condition.

gnomAD v4.1: 4 of 1,573,898 alleles (0.00025%); highest among the groups gnomAD compares: East Asian, 0.0048%; no homozygotes.

Submission:

PreventionGenetics, part of Exact Sciences
Classification: Likely benign for GARS1-related condition. Last evaluated: 2023-08-16. Review status: no assertion criteria provided. Collection method: clinical testing. Allele origin: germline.
Comment: This variant is classified as likely benign based on ACMG/AMP sequence variant interpretation guidelines (Richards et al. 2015 PMID: 25741868, with internal and published modifications).